The following is an entry in ClinVar:

ClinVar aggregate classification (germline): Uncertain significance (1 of 4 stars; one submission).

Conditions:
Retinitis pigmentosa 73 (RP73). Identifiers: Orphanet 791, MedGen C4225287, MONDO:0014687, OMIM 616544.
Mucopolysaccharidosis, MPS-III-C (MPS3C). Also called: MPS IIIC (Sanfilippo Syndrome Type C); MUCOPOLYSACCHARIDOSIS, TYPE IIIC; Mucopolysaccharidosis type IIIC (Sanfilippo C); SANFILIPPO SYNDROME C; MPS III C; mucopolysaccharidosis type 3C. Identifiers: Orphanet 581, Orphanet 79271, MedGen C0086649, MONDO:0009657, OMIM 252930.

Submission:

Labcorp Genetics (formerly Invitae), Labcorp
Classification: Uncertain significance for Retinitis pigmentosa 73; Mucopolysaccharidosis, MPS-III-C. Last evaluated: 2021-06-20. Review status: criteria provided, single submitter. Criteria: Invitae Variant Classification Sherloc (09022015). Collection method: clinical testing. Allele origin: germline.
Comment: In summary, the available evidence is currently insufficient to determine the role of this variant in disease. Therefore, it has been classified as a Variant of Uncertain Significance. Algorithms developed to predict the effect of missense changes on protein structure and function (SIFT, PolyPhen-2, Align-GVGD) all suggest that this variant is likely to be disruptive, but these predictions have not been confirmed by published functional studies and their clinical significance is uncertain. This variant has not been reported in the literature in individuals with HGSNAT-related conditions. This variant is not present in population databases (ExAC no frequency). This sequence change replaces isoleucine with valine at codon 622 of the HGSNAT protein (p.Ile622Val). The isoleucine residue is highly conserved and there is a small physicochemical difference between isoleucine and valine.

NM_152419.3(HGSNAT):c.1864A>G (p.Ile622Val)

Gene: HGSNAT (heparan-alpha-glucosaminide N-acetyltransferase; plus strand). Cytogenetic location: 8p11.21.
Variant type: single nucleotide variant.
Coding change: c.1864A>G on transcript NM_152419.3 (MANE Select); coding-DNA position 1864, A replaced by G.
Protein change: p.Ile622Val; replaces isoleucine 622 with valine.
Molecular consequence: missense variant.
Genome position (GRCh38, 1-based): chr8:43,199,525, A>G. VCF-style: chr8-43199525-A-G. GRCh37 (hg19) VCF-style: chr8-43054668-A-G.
Other names: c.1951A>G, p.Ile651Val (NM_001363227.2); c.1672A>G, p.Ile558Val (NM_001363228.2); c.1000A>G, p.Ile334Val (NM_001363229.2); short protein forms I622V, I334V, I651V, I558V.
Identifiers: ClinVar variation 1352322 (VCV001352322.8), dbSNP rs2130825945, ClinGen allele CA371121700.